The following is an entry in ClinVar:

NM_015046.7(SETX):c.5825T>C (p.Ile1942Thr)

Gene: SETX (senataxin; minus strand). Cytogenetic location: 9q34.13.
Variant type: single nucleotide variant.
Coding change: c.5825T>C on transcript NM_015046.7 (MANE Select); coding-DNA position 5825, T replaced by C.
Protein change: p.Ile1942Thr; replaces isoleucine 1942 with threonine.
Molecular consequence: missense variant.
Genome position (GRCh38, 1-based): chr9:132,297,011, A>G on the plus strand (T>C on the coding strand, the complement: SETX is on the minus strand). VCF-style: chr9-132297011-A-G. GRCh37 (hg19) VCF-style: chr9-135172398-A-G.
Other names: c.5825T>C, p.Ile1942Thr (NM_001351527.2, NM_001351528.2); short protein forms I1942T.
Identifiers: ClinVar variation 807687 (VCV000807687.50), dbSNP rs773379832, ClinGen allele CA5296889.
Genomic context (GRCh38, chr9:132,297,011, plus strand): 5'-TGAATCAAGCAGATTTTGGCAACTGATGGTGAGTGTTTCACCATAGCATATGCAGTTTCT[A>G]TTGCTTTCTTTTGATCTTCATTGAAATCTCTTAAGTACGCAATCTATATAAAAAACACAT-3'
Protein context (NP_055861.3, residues 1932-1952): RDFNEDQKKA[Ile1942Thr]ETAYAMVKHS

ClinVar aggregate classification (germline): Conflicting classifications of pathogenicity. Review status: criteria provided, conflicting classifications (1 of 4 stars). 7 submissions from 7 submitters: Pathogenic (3); Likely pathogenic (2); Likely benign (1). 1 of the submissions does not count toward it. Last evaluated 2023-04-27.

Conditions:
Spinocerebellar ataxia, autosomal recessive, with axonal neuropathy 2 (SCAN2). Also called: ATAXIA-OCULOMOTOR APRAXIA 2; Ataxia with Oculomotor Apraxia Type 2; Ataxia with Oculomotor Apraxia; Ataxia-ocular apraxia-2. Identifiers: Orphanet 64753, MedGen C1853761, MONDO:0018996, OMIM 606002.
Amyotrophic lateral sclerosis type 4 (ALS4). Also called: AMYOTROPHIC LATERAL SCLEROSIS 4, JUVENILE; NEURONOPATHY, DISTAL HEREDITARY MOTOR, WITH PYRAMIDAL FEATURES. Identifiers: Orphanet 357043, MedGen C1865409, MONDO:0011223, OMIM 602433.

Allele frequency attached by ClinVar (database versions not stated): ExAC 0.00001; gnomAD 0.00001; gnomAD exomes 0.00001.
gnomAD v4.1: 22 of 1,613,824 alleles (0.0014%); highest among the groups gnomAD compares: Admixed American, 0.0017%; no homozygotes.

Submissions (7):

Institute of Medical Genetics and Applied Genomics, University Hospital Tübingen
Classification: Pathogenic for Spinocerebellar ataxia, autosomal recessive, with axonal neuropathy 2. Last evaluated: 2023-04-27. Review status: criteria provided, single submitter. Criteria: ACMG Guidelines, 2015. Collection method: clinical testing. Allele origin: germline. Inheritance: Autosomal recessive inheritance. Affected: yes.

MGZ Medical Genetics Center
Classification: Likely pathogenic for Spinocerebellar ataxia, autosomal recessive, with axonal neuropathy 2. Last evaluated: 2022-01-28. Review status: criteria provided, single submitter. Criteria: ACMG Guidelines, 2015. Collection method: clinical testing. Allele origin: germline. Affected: yes. Observed: 1 variant allele.
Comment: ACMG criteria applied: PS4_MOD, PM3, PM2_SUP, PP3

Laboratory for Molecular Genetic Diagnostic of Neurological Diseases, University of Belgrade, School of Medicine
Classification: Likely pathogenic for Spinocerebellar ataxia, autosomal recessive, with axonal neuropathy 2. Last evaluated: 2020-07-01. Review status: criteria provided, single submitter. Criteria: ACMG Guidelines, 2015. Collection method: clinical testing. Allele origin: germline. Inheritance: Autosomal recessive inheritance. Affected: yes. Observed: 2 variant alleles, 2 homozygotes. Clinical features observed: Oculomotor apraxia (HP:0000657), Ataxia (HP:0001251).

Suna and Inan Kirac Foundation Neurodegeneration Research Laboratory, Koc University
Classification: Likely benign. Last evaluated: 2020-03-31. Review status: criteria provided, single submitter. Criteria: ACMG Guidelines, 2015. Collection method: research. Allele origin: germline. Affected: no. Observed: 1 variant allele.

CeGaT Center for Human Genetics Tuebingen
Classification: Pathogenic. Last evaluated: 2019-03-01. Review status: criteria provided, single submitter. Criteria: CeGaT Center For Human Genetics Tuebingen Variant Classification Criteria Version 2. Collection method: clinical testing. Allele origin: germline. Affected: yes. Observed: 2 variant alleles.

Institute of Human Genetics Munich, TUM University Hospital
Classification: Pathogenic for Spinocerebellar ataxia, autosomal recessive, with axonal neuropathy 2. Last evaluated: 2018-11-12. Review status: criteria provided, single submitter. Criteria: Classification criteria August 2017. Collection method: clinical testing. Allele origin: inherited. Inheritance: Autosomal recessive inheritance. Affected: yes. Observed: 1 homozygote.

Solve-RD Consortium
Classification: Likely pathogenic for Amyotrophic lateral sclerosis type 4. Last evaluated: 2022-06-01. Review status: no assertion criteria provided. Collection method: provider interpretation. Allele origin: inherited. Affected: yes. Not counted in ClinVar's aggregate classification.
Comment: Variant confirmed as disease-causing by referring clinical team

Variant identified during reanalysis of unsolved cases by the Solve-RD project. The Solve-RD project has received funding from the European Union’s Horizon 2020 research and innovation programme under grant agreement No 779257.

Literature cited by the submitters: PubMed 39825153 (cited by Solve-RD Consortium).